The following is an entry in ClinVar:

NM_024753.4(TTC21B):c.-409A>G

Gene: TTC21B (tetratricopeptide repeat domain 21B; minus strand). Cytogenetic location: 2q24.3.
Variant type: single nucleotide variant.
Coding change: c.-409A>G on transcript NM_024753.4; 409 bases upstream of the start codon, A replaced by G.
Genome position (GRCh38, 1-based): chr2:165,954,114, T>C on the plus strand (A>G on the coding strand, the complement: TTC21B is on the minus strand). VCF-style: chr2-165954114-T-C. GRCh37 (hg19) VCF-style: chr2-166810624-T-C.
Identifiers: ClinVar variation 667574 (VCV000667574.3), dbSNP rs79930369, ClinGen allele CA11131107.

ClinVar aggregate classification (germline): Benign (1 of 4 stars; one submission).

Allele frequency attached by ClinVar (database versions not stated): 1000 Genomes Project 0.02216; TOPMed 0.03400; gnomAD 0.03539 and 0.03499; 1000 Genomes Project 30x 0.02311.

Submission:

GeneDx
Classification: Benign. Last evaluated: 2018-06-19. Review status: criteria provided, single submitter. Criteria: GeneDx Variant Classification (06012015). Collection method: clinical testing. Allele origin: germline. Affected: yes.
Comment: This variant is considered likely benign or benign based on one or more of the following criteria: it is a conservative change, it occurs at a poorly conserved position in the protein, it is predicted to be benign by multiple in silico algorithms, and/or has population frequency not consistent with disease.